The following is an entry in ClinVar:

NM_000297.4(PKD2):c.1636C>T (p.Pro546Ser)

Gene: PKD2 (polycystin 2, transient receptor potential cation channel; plus strand). Cytogenetic location: 4q22.1.
Variant type: single nucleotide variant.
Coding change: c.1636C>T on transcript NM_000297.4 (MANE Select); coding-DNA position 1636, C replaced by T.
Protein change: p.Pro546Ser; replaces proline 546 with serine.
Molecular consequence: missense variant. On other transcripts: non-coding transcript variant (1).
Genome position (GRCh38, 1-based): chr4:88,052,078, C>T. VCF-style: chr4-88052078-C-T. GRCh37 (hg19) VCF-style: chr4-88973230-C-T.
Other names: c.1636C>T (NM_000297.3); short protein forms P546S.
Identifiers: ClinVar variation 3616709 (VCV003616709.3).

ClinVar aggregate classification (germline): Uncertain significance. Review status: criteria provided, multiple submitters, no conflicts (2 of 4 stars). 2 submissions from 2 submitters: Uncertain significance (2). Last evaluated 2025-08-10.

Conditions:
Inborn genetic diseases. Identifiers: MedGen C0950123, MeSH D030342.
Autosomal dominant polycystic kidney disease. Identifiers: Orphanet 730, MedGen C0085413, MONDO:0004691.

gnomAD v4.1: 9 of 1,604,810 alleles (0.00056%); highest among the groups gnomAD compares: Non-Finnish European, 0.00077%; no homozygotes.

Submissions (2):

Ambry Genetics
Classification: Uncertain significance for Inborn genetic diseases. Last evaluated: 2025-08-10. Review status: criteria provided, single submitter. Criteria: Ambry Variant Classification Scheme 2023. Collection method: clinical testing. Allele origin: germline.

Labcorp Genetics (formerly Invitae), Labcorp
Classification: Uncertain significance for Autosomal dominant polycystic kidney disease. Last evaluated: 2024-03-28. Review status: criteria provided, single submitter. Criteria: Invitae Variant Classification Sherloc (09022015). Collection method: clinical testing. Allele origin: germline.
Comment: This sequence change replaces proline, which is neutral and non-polar, with serine, which is neutral and polar, at codon 546 of the PKD2 protein (p.Pro546Ser). This variant is not present in population databases (gnomAD no frequency). This variant has not been reported in the literature in individuals affected with PKD2-related conditions. Advanced modeling of protein sequence and biophysical properties (such as structural, functional, and spatial information, amino acid conservation, physicochemical variation, residue mobility, and thermodynamic stability) performed at Invitae indicates that this missense variant is not expected to disrupt PKD2 protein function with a negative predictive value of 80%. In summary, the available evidence is currently insufficient to determine the role of this variant in disease. Therefore, it has been classified as a Variant of Uncertain Significance.